The following is an entry in ClinVar:

ClinVar aggregate classification (germline): Likely pathogenic (1 of 4 stars; one submission).

Submission:

GeneDx
Classification: Likely pathogenic. Last evaluated: 2019-03-11. Review status: criteria provided, single submitter. Criteria: GeneDx Variant Classification (06012015). Collection method: clinical testing. Allele origin: germline. Affected: yes.
Comment: The c.1055delA variant in the GATA3 gene has not been reported previously as a pathogenic variant nor as a benign variant, to our knowledge. The c.1055delA variant causes a frameshift starting with codon Asparagine 352, changes this amino acid to a Threonine residue, and creates a premature Stop codon at position 4 of the new reading frame, denoted p.Asn352ThrfsX4. This variant is predicted to cause loss of normal protein function through protein truncation. The c.1055delA variant is not observed in large population cohorts (Lek et al., 2016). We interpret c.1055delA as a likely pathogenic variant.

NM_001002295.2(GATA3):c.1055del (p.Asn352fs)

Gene: GATA3 (GATA binding protein 3; plus strand). Cytogenetic location: 10p14.
Variant type: Deletion.
Coding change: c.1055del on transcript NM_001002295.2 (MANE Select); coding-DNA position 1055, one base deleted (A; older notation c.1055delA).
Protein change: p.Asn352fs; shifts the reading frame from asparagine 352.
Molecular consequence: frameshift variant.
Genome position (GRCh38, 1-based): chr10:8,073,743, A deleted; the last of 2 consecutive A bases (chr10:8,073,742-8,073,743); deleting either gives the same sequence. VCF-style (leftmost placement, unchanged base first): chr10-8073741-TA-T. GRCh37 (hg19) VCF-style: chr10-8115704-TA-T.
Other names: c.1052del, p.Asn351fs (NM_002051.3); short protein forms N351fs, N352fs.
Identifiers: ClinVar variation 817499 (VCV000817499.1), dbSNP rs1564405153, ClinGen allele CA915945845.